The following is an entry in ClinVar:

ClinVar aggregate classification (germline): Pathogenic (1 of 4 stars; one submission).

Submission:

Labcorp Genetics (formerly Invitae), Labcorp
Classification: Pathogenic. Last evaluated: 2024-07-30. Review status: criteria provided, single submitter. Criteria: Invitae Variant Classification Sherloc (09022015). Collection method: clinical testing. Allele origin: germline.
Comment: This sequence change creates a premature translational stop signal (p.Ala348Valfs*10) in the MME gene. It is expected to result in an absent or disrupted protein product. Loss-of-function variants in MME are known to be pathogenic (PMID: 26991897). This variant is present in population databases (rs762679011, gnomAD 0.0009%). This variant has not been reported in the literature in individuals affected with MME-related conditions. Algorithms developed to predict the effect of sequence changes on RNA splicing suggest that this variant may disrupt the consensus splice site. For these reasons, this variant has been classified as Pathogenic.

Literature cited by the submitters: PubMed 26991897.

NM_007289.4(MME):c.1039_1042dup (p.Ala348fs)

Gene: MME (membrane metalloendopeptidase; plus strand). Cytogenetic location: 3q25.2.
Variant type: Duplication.
Coding change: c.1039_1042dup on transcript NM_007289.4 (MANE Select); coding-DNA positions 1039 to 1042, 4 bases duplicated (TATG; older notation c.1039_1042dupTATG).
Protein change: p.Ala348fs; shifts the reading frame from alanine 348.
Molecular consequence: frameshift variant.
Genome position (GRCh38, 1-based): chr3:155,142,072-155,142,075, TATG duplicated. VCF-style (leftmost placement, unchanged base first): chr3-155142071-T-TTATG. GRCh37 (hg19) VCF-style: chr3-154859860-T-TTATG.
Other names: c.1039_1042dup, p.Ala348fs (NM_000902.5, NM_001354642.2, NM_001354643.1 and 2 more transcripts); short protein forms A348fs.
Identifiers: ClinVar variation 3682614 (VCV003682614.2).
Genomic context (GRCh38, chr3:155,142,071, plus strand): 5'-CACAAATGAAATCATGTCAACTGTGAATATTAGTATTACAAATGAGGAAGATGTGGTTGT[T>TTATG]TATGCTCCAGAATATTTAACCAAACTTAAGCCCATTCTTACCAAATATTCTGCCAGGTAG-3'